The following is an entry in ClinVar:

NM_020338.4(ZMIZ1):c.770G>A (p.Gly257Asp)

Gene: ZMIZ1 (zinc finger MIZ-type containing 1; plus strand). Cytogenetic location: 10q22.3.
Variant type: single nucleotide variant.
Coding change: c.770G>A on transcript NM_020338.4 (MANE Select); coding-DNA position 770, G replaced by A.
Protein change: p.Gly257Asp; replaces glycine 257 with aspartic acid.
Molecular consequence: missense variant.
Genome position (GRCh38, 1-based): chr10:79,292,169, G>A. VCF-style: chr10-79292169-G-A. GRCh37 (hg19) VCF-style: chr10-81051926-G-A.
Other names: short protein forms G257D.
Identifiers: ClinVar variation 1683373 (VCV001683373.2), dbSNP rs1472157297, ClinGen allele CA377332795.

ClinVar aggregate classification (germline): Uncertain significance. Review status: criteria provided, multiple submitters, no conflicts (2 of 4 stars). 2 submissions from 2 submitters: Uncertain significance (2). Last evaluated 2024-06-02.

Conditions:
Inborn genetic diseases. Identifiers: MedGen C0950123, MeSH D030342.

Submissions (2):

Ambry Genetics
Classification: Uncertain significance for Inborn genetic diseases. Last evaluated: 2024-06-02. Review status: criteria provided, single submitter. Criteria: Ambry Variant Classification Scheme 2023. Collection method: clinical testing. Allele origin: germline.

Women's Health and Genetics/Laboratory Corporation of America, LabCorp
Classification: Uncertain significance. Last evaluated: 2022-04-21. Review status: criteria provided, single submitter. Criteria: LabCorp Variant Classification Summary - May 2015. Collection method: clinical testing. Allele origin: germline.
Comment: Variant summary: ZMIZ1 c.770G>A (p.Gly257Asp) results in a non-conservative amino acid change in the encoded protein sequence. Four of five in-silico tools predict a damaging effect of the variant on protein function. The variant was absent in 247908 control chromosomes (gnomAD). The available data on variant occurrences in the general population are insufficient to allow any conclusion about variant significance. To our knowledge, no occurrence of c.770G>A in individuals affected with Neurodevelopmental Disorder With Dysmorphic Facies And Distal Skeletal Anomalies and no experimental evidence demonstrating its impact on protein function have been reported. No clinical diagnostic laboratories have submitted clinical-significance assessments for this variant to ClinVar after 2014. Based on the evidence outlined above, the variant was classified as uncertain significance.